The following is an entry in ClinVar:

ClinVar aggregate classification (germline): Uncertain significance (1 of 4 stars; one submission).

Conditions:
Fanconi anemia complementation group E (FANCE). Also called: FANCE-Related Fanconi Anemia. Identifiers: Orphanet 84, MedGen C3160739, MONDO:0010953, OMIM 600901.

Submission:

Labcorp Genetics (formerly Invitae), Labcorp
Classification: Uncertain significance for Fanconi anemia complementation group E. Last evaluated: 2025-02-10. Review status: criteria provided, single submitter. Criteria: Invitae Variant Classification Sherloc (09022015). Collection method: clinical testing. Allele origin: germline.
Comment: This sequence change replaces threonine, which is neutral and polar, with proline, which is neutral and non-polar, at codon 346 of the FANCE protein (p.Thr346Pro). This variant is not present in population databases (gnomAD no frequency). This variant has not been reported in the literature in individuals affected with FANCE-related conditions. ClinVar contains an entry for this variant (Variation ID: 1388068). Invitae Evidence Modeling of protein sequence and biophysical properties (such as structural, functional, and spatial information, amino acid conservation, physicochemical variation, residue mobility, and thermodynamic stability) indicates that this missense variant is expected to disrupt FANCE protein function with a positive predictive value of 80%. In summary, the available evidence is currently insufficient to determine the role of this variant in disease. Therefore, it has been classified as a Variant of Uncertain Significance.

NM_021922.3(FANCE):c.1036A>C (p.Thr346Pro)

Gene: FANCE (FA complementation group E; plus strand). Cytogenetic location: 6p21.31.
Variant type: single nucleotide variant.
Coding change: c.1036A>C on transcript NM_021922.3 (MANE Select); coding-DNA position 1036, A replaced by C.
Protein change: p.Thr346Pro; replaces threonine 346 with proline.
Molecular consequence: missense variant.
Genome position (GRCh38, 1-based): chr6:35,458,363, A>C. VCF-style: chr6-35458363-A-C. GRCh37 (hg19) VCF-style: chr6-35426140-A-C.
Other names: short protein forms T346P.
Identifiers: ClinVar variation 1388068 (VCV001388068.7), dbSNP rs1767436675, ClinGen allele CA363775158.